The following is an entry in ClinVar:

ClinVar aggregate classification (germline): Likely benign. Review status: criteria provided, single submitter (1 of 4 stars). 2 submissions from 2 submitters: Likely benign (1). 1 of the submissions does not count toward it. Last evaluated 2022-11-01.

Conditions:
WARS2-related disorder. Also called: WARS2 related condition; WARS2-related disorders.

Allele frequency attached by ClinVar (database versions not stated): TOPMed below 0.00001; gnomAD 0.00001; gnomAD exomes 0.00001.
gnomAD v4.1: 21 of 1,582,854 alleles (0.0013%); highest among the groups gnomAD compares: Non-Finnish European, 0.0017%; no homozygotes.

Submissions (2):

Labcorp Genetics (formerly Invitae), Labcorp
Classification: Likely benign. Last evaluated: 2022-11-01. Review status: criteria provided, single submitter. Criteria: Invitae Variant Classification Sherloc (09022015). Collection method: clinical testing. Allele origin: germline.

PreventionGenetics, part of Exact Sciences
Classification: Likely benign for WARS2-related condition. Last evaluated: 2023-02-09. Review status: no assertion criteria provided. Collection method: clinical testing. Allele origin: germline. Not counted in ClinVar's aggregate classification.
Comment: This variant is classified as likely benign based on ACMG/AMP sequence variant interpretation guidelines (Richards et al. 2015 PMID: 25741868, with internal and published modifications).

NM_015836.4(WARS2):c.429+10A>T

Gene: WARS2 (tryptophanyl tRNA synthetase 2, mitochondrial; minus strand). Cytogenetic location: 1p12.
Variant type: single nucleotide variant.
Coding change: c.429+10A>T on transcript NM_015836.4 (MANE Select); 10 bases into the intron after coding-DNA position 429, A replaced by T.
Molecular consequence: intron variant.
Genome position (GRCh38, 1-based): chr1:119,045,572, T>A on the plus strand (A>T on the coding strand, the complement: WARS2 is on the minus strand). VCF-style: chr1-119045572-T-A. GRCh37 (hg19) VCF-style: chr1-119588195-T-A.
Other names: c.429+10A>T (NM_201263.2, NM_001378231.1, NM_015836.3); c.171+10A>T (NM_001378229.1); c.258+10A>T (NM_001378228.1); c.360+10A>T (NM_001378226.1, NM_001378227.1); c.147+10A>T (NM_001378230.1).
Identifiers: ClinVar variation 1907689 (VCV001907689.7), dbSNP rs1648723584, ClinGen allele CA1006278281.